The following is an entry in ClinVar:

NM_001033044.4(GLUL):c.2T>C (p.Met1Thr)

Gene: GLUL (glutamate-ammonia ligase; minus strand). Cytogenetic location: 1q25.3.
Variant type: single nucleotide variant.
Coding change: c.2T>C on transcript NM_001033044.4 (MANE Select); coding-DNA position 2, T replaced by C.
Protein change: p.Met1Thr; changes the start codon (methionine 1).
Molecular consequence: missense variant, initiator codon variant.
Genome position (GRCh38, 1-based): chr1:182,388,736, A>G on the plus strand (T>C on the coding strand, the complement: GLUL is on the minus strand). VCF-style: chr1-182388736-A-G. GRCh37 (hg19) VCF-style: chr1-182357871-A-G.
Other names: c.2T>C, p.Met1Thr (NM_001033056.4, NM_002065.7); short protein forms M1T.
Identifiers: ClinVar variation 4294439 (VCV004294439.1).

ClinVar aggregate classification (germline): Likely pathogenic (1 of 4 stars; one submission).

Conditions:
Congenital brain dysgenesis due to glutamine synthetase deficiency (GLND). Also called: GLUTAMINE SYNTHASE DEFICIENCY, CONGENITAL SYSTEMIC. Identifiers: Orphanet 71278, MedGen C1864910, MONDO:0012393, OMIM 610015.
Developmental and epileptic encephalopathy 116. Identifiers: MedGen C5935615, MONDO:0970945, OMIM 620806.

Submission:

Molecular Genetics Department, Kulakov National Medical Research Center for Obstetrics, Gynecology and Perinatology
Classification: Likely pathogenic for Congenital brain dysgenesis due to glutamine synthetase deficiency; Developmental and epileptic encephalopathy 116. Review status: criteria provided, single submitter. Criteria: ACMG Guidelines, 2015. Collection method: clinical testing. Allele origin: germline. Affected: yes. Observed: 1 variant allele.
Comment: A previously undescribed heterozygous nucleotide variant creates a start-lost p.Met1? in the GLUL gene. Heterozygous variants are reported in patients with developmental and epileptic encephalopathy 116, 620806. Homozygous and compound heterozygous variants are reported in patients with glutamine deficiency, congenital, 610015. The variant is not present in population database (gnomAD no frequency). In summary, the currently available evidence indicates that the variant is pathogenic, but additional data are needed to prove that conclusively. Therefore, this variant has been classified as likely pathogenic.